The following is an entry in ClinVar:

NM_032608.7(MYO18B):c.5152C>T (p.Arg1718Cys)

Gene: MYO18B (myosin XVIIIB; plus strand). Cytogenetic location: 22q12.1.
Variant type: single nucleotide variant.
Coding change: c.5152C>T on transcript NM_032608.7 (MANE Select); coding-DNA position 5152, C replaced by T.
Protein change: p.Arg1718Cys; replaces arginine 1718 with cysteine.
Molecular consequence: missense variant.
Genome position (GRCh38, 1-based): chr22:25,908,325, C>T. VCF-style: chr22-25908325-C-T. GRCh37 (hg19) VCF-style: chr22-26304292-C-T.
Other names: c.5155C>T, p.Arg1719Cys (NM_001318245.2); short protein forms R1718C, R1719C.
Identifiers: ClinVar variation 1933628 (VCV001933628.2), dbSNP rs766930773, ClinGen allele CA10161084.

ClinVar aggregate classification (germline): Uncertain significance (1 of 4 stars; one submission).

Allele frequency attached by ClinVar (database versions not stated): gnomAD exomes 0.00001; gnomAD 0.00002; TOPMed 0.00002; ExAC 0.00010.
gnomAD v4.1: 21 of 1,577,842 alleles (0.0013%); highest among the groups gnomAD compares: South Asian, 0.007%; no homozygotes.

Submission:

Labcorp Genetics (formerly Invitae), Labcorp
Classification: Uncertain significance. Last evaluated: 2021-12-23. Review status: criteria provided, single submitter. Criteria: Invitae Variant Classification Sherloc (09022015). Collection method: clinical testing. Allele origin: germline.
Comment: This sequence change replaces arginine, which is basic and polar, with cysteine, which is neutral and slightly polar, at codon 1718 of the MYO18B protein (p.Arg1718Cys). This variant is present in population databases (rs766930773, gnomAD 0.008%). This variant has not been reported in the literature in individuals affected with MYO18B-related conditions. Algorithms developed to predict the effect of missense changes on protein structure and function are either unavailable or do not agree on the potential impact of this missense change (SIFT: "Not Available"; PolyPhen-2: "Probably Damaging"; Align-GVGD: "Not Available"). In summary, the available evidence is currently insufficient to determine the role of this variant in disease. Therefore, it has been classified as a Variant of Uncertain Significance.